The following is an entry in ClinVar:

ClinVar aggregate classification (germline): Uncertain significance (1 of 4 stars; one submission).

Conditions:
Primary ciliary dyskinesia. Also called: Ciliary dyskinesia. Identifiers: Orphanet 244, MedGen C0008780, MONDO:0016575, HP:0012265.

Allele frequency attached by ClinVar (database versions not stated): gnomAD exomes below 0.00001.
gnomAD v4.1: 1 of 1,614,098 alleles (0.000062%); highest among the groups gnomAD compares: Non-Finnish European, 0.000085%; no homozygotes.

Submission:

Ambry Genetics
Classification: Uncertain significance for Primary ciliary dyskinesia. Last evaluated: 2024-03-10. Review status: criteria provided, single submitter. Criteria: Ambry Variant Classification Scheme 2023. Collection method: clinical testing. Allele origin: germline.
Comment: The p.V2863M variant (also known as c.8587G>A), located in coding exon 51 of the DNAH5 gene, results from a G to A substitution at nucleotide position 8587. The valine at codon 2863 is replaced by methionine, an amino acid with highly similar properties. This amino acid position is conserved. In addition, this alteration is predicted to be tolerated by in silico analysis. Based on the available evidence, the clinical significance of this alteration remains unclear.

NM_001369.3(DNAH5):c.8587G>A (p.Val2863Met)

Gene: DNAH5 (dynein axonemal heavy chain 5; minus strand). Cytogenetic location: 5p15.2.
Variant type: single nucleotide variant.
Coding change: c.8587G>A on transcript NM_001369.3 (MANE Select); coding-DNA position 8587, G replaced by A.
Protein change: p.Val2863Met; replaces valine 2863 with methionine.
Molecular consequence: missense variant.
Genome position (GRCh38, 1-based): chr5:13,788,776, C>T on the plus strand (G>A on the coding strand, the complement: DNAH5 is on the minus strand). VCF-style: chr5-13788776-C-T. GRCh37 (hg19) VCF-style: chr5-13788885-C-T.
Other names: short protein forms V2863M.
Identifiers: ClinVar variation 3221511 (VCV003221511.1), dbSNP rs1756483888, ClinGen allele CA359217382.